The following is an entry in ClinVar:

NM_021020.5(LZTS1):c.1676G>A (p.Arg559His)

Gene: LZTS1 (leucine zipper tumor suppressor 1; minus strand). Cytogenetic location: 8p21.3.
Variant type: single nucleotide variant.
Coding change: c.1676G>A on transcript NM_021020.5 (MANE Select); coding-DNA position 1676, G replaced by A.
Protein change: p.Arg559His; replaces arginine 559 with histidine.
Molecular consequence: missense variant.
Genome position (GRCh38, 1-based): chr8:20,249,837, C>T on the plus strand (G>A on the coding strand, the complement: LZTS1 is on the minus strand). VCF-style: chr8-20249837-C-T. GRCh37 (hg19) VCF-style: chr8-20107348-C-T.
Other names: c.1676G>A, p.Arg559His (NM_001362884.2); short protein forms R559H.
Identifiers: ClinVar variation 2977473 (VCV002977473.3), dbSNP rs200361803, ClinGen allele CA4657216.

ClinVar aggregate classification (germline): Uncertain significance (1 of 4 stars; one submission).

Allele frequency attached by ClinVar (database versions not stated): ExAC 0.00001; gnomAD 0.00005; ESP Exome Variant Server 0.00008.
gnomAD v4.1: 62 of 1,614,068 alleles (0.0038%); highest among the groups gnomAD compares: East Asian, 0.016%; no homozygotes.

Submission:

Labcorp Genetics (formerly Invitae), Labcorp
Classification: Uncertain significance. Last evaluated: 2025-12-15. Review status: criteria provided, single submitter. Criteria: Invitae Variant Classification Sherloc (09022015). Collection method: clinical testing. Allele origin: germline.
Comment: This sequence change replaces arginine, which is basic and polar, with histidine, which is basic and polar, at codon 559 of the LZTS1 protein (p.Arg559His). This variant is present in population databases (rs200361803, gnomAD 0.02%). This variant has not been reported in the literature in individuals affected with LZTS1-related conditions. ClinVar contains an entry for this variant (Variation ID: 2977473). Invitae Evidence Modeling of protein sequence and biophysical properties (such as structural, functional, and spatial information, amino acid conservation, physicochemical variation, residue mobility, and thermodynamic stability) indicates that this missense variant is not expected to disrupt LZTS1 protein function with a negative predictive value of 80%. In summary, the available evidence is currently insufficient to determine the role of this variant in disease. Therefore, it has been classified as a Variant of Uncertain Significance.